The following is an entry in ClinVar:

ClinVar aggregate classification (germline): Likely benign. Review status: criteria provided, multiple submitters, no conflicts (2 of 4 stars). 2 submissions from 2 submitters: Likely benign (2). Last evaluated 2024-12-17.

Conditions:
EHMT1-related disorder. Also called: EHMT1-related condition.

gnomAD v4.1: 9 of 1,614,114 alleles (0.00056%); highest among the groups gnomAD compares: East Asian, 0.0022%; no homozygotes.

Submissions (2):

PreventionGenetics, part of Exact Sciences
Classification: Likely benign for EHMT1-related condition. Last evaluated: 2024-12-17. Review status: criteria provided, single submitter. Criteria: ACMG Guidelines, 2015. Collection method: clinical testing. Allele origin: germline.
Comment: This variant is classified as likely benign based on ACMG/AMP sequence variant interpretation guidelines (Richards et al. 2015 PMID: 25741868, with internal and published modifications).

Blueprint Genetics
Classification: Likely benign. Last evaluated: 2024-11-05. Review status: criteria provided, single submitter. Criteria: ACMG Guidelines, 2015. Collection method: clinical testing. Allele origin: germline.

NM_024757.5(EHMT1):c.1644T>C (p.His548=)

Gene: EHMT1 (euchromatic histone lysine methyltransferase 1; plus strand). Cytogenetic location: 9q34.3.
Variant type: single nucleotide variant.
Coding change: c.1644T>C on transcript NM_024757.5 (MANE Select); coding-DNA position 1644, T replaced by C.
Protein change: p.His548=; no amino-acid change (histidine 548 retained).
Molecular consequence: synonymous variant.
Genome position (GRCh38, 1-based): chr9:137,762,817, T>C. VCF-style: chr9-137762817-T-C. GRCh37 (hg19) VCF-style: chr9-140657269-T-C.
Other names: c.1644T>C (NM_024757.4); c.1644T>C, p.His548= (NM_001145527.2, NM_001354611.2); c.1551T>C, p.His517= (NM_001354259.2, NM_001354612.2); c.1623T>C, p.His541= (NM_001354263.2).
Identifiers: ClinVar variation 4906279 (VCV004906279.2).
Genomic context (GRCh38, chr9:137,762,817, plus strand): 5'-GAGTCGAGAGATCACCACACTGGCCAACAACCAGTGCATGGCTACAGAGAGCGTGGACCA[T>C]GAAGTAAGCACGTTTGTTTTCATTTAAAGCAGCCACGAGGAGTGAGTGAGAAAGCCCAGC-3'
Protein context (NP_079033.4, residues 538-558): NQCMATESVD[His548=]ELGRCTNSVV